The following is an entry in ClinVar:

ClinVar aggregate classification (germline): Uncertain significance (1 of 4 stars; one submission).

Conditions:
Emery-Dreifuss muscular dystrophy 5, autosomal dominant (EDMD5). Also called: EMERY-DREIFUSS MUSCULAR DYSTROPHY 5. Identifiers: Orphanet 261, MedGen C2751805, MONDO:0013072, OMIM 612999.

gnomAD v4.1: 6 of 1,613,838 alleles (0.00037%); highest among the groups gnomAD compares: South Asian, 0.0022%; no homozygotes.

Submission:

Labcorp Genetics (formerly Invitae), Labcorp
Classification: Uncertain significance for Emery-Dreifuss muscular dystrophy 5, autosomal dominant. Last evaluated: 2025-12-19. Review status: criteria provided, single submitter. Criteria: Invitae Variant Classification Sherloc (09022015). Collection method: clinical testing. Allele origin: germline.
Comment: This sequence change replaces alanine, which is neutral and non-polar, with valine, which is neutral and non-polar, at codon 6545 of the SYNE2 protein (p.Ala6545Val). This variant is present in population databases (rs768823957, gnomAD 0.007%). This variant has not been reported in the literature in individuals affected with SYNE2-related conditions. An algorithm developed to predict the effect of missense changes on protein structure and function (PolyPhen-2) suggests that this variant is likely to be disruptive. In summary, the available evidence is currently insufficient to determine the role of this variant in disease. Therefore, it has been classified as a Variant of Uncertain Significance.

NM_182914.3(SYNE2):c.19634C>T (p.Ala6545Val)

Gene: SYNE2 (spectrin repeat containing nuclear envelope protein 2; plus strand). Cytogenetic location: 14q23.2.
Variant type: single nucleotide variant.
Coding change: c.19634C>T on transcript NM_182914.3 (MANE Select); coding-DNA position 19634, C replaced by T.
Protein change: p.Ala6545Val; replaces alanine 6545 with valine.
Molecular consequence: missense variant.
Genome position (GRCh38, 1-based): chr14:64,218,489, C>T. VCF-style: chr14-64218489-C-T. GRCh37 (hg19) VCF-style: chr14-64685207-C-T.
Other names: c.19565C>T, p.Ala6522Val (NM_015180.6); c.158C>T, p.Ala53Val (NM_182910.2); c.536C>T, p.Ala179Val (NM_182913.4); short protein forms A53V, A6522V, A6545V, A179V.
Identifiers: ClinVar variation 4766244 (VCV004766244.1).
Genomic context (GRCh38, chr14:64,218,489, plus strand): 5'-GTGGCAAAGAAGGCCCGCGAGTCCTGAATGGCAACCCACAGCAGGAAGACGGGGGACTGG[C>T]CGGTATCACAGAGCAGCAGTCAGGTACTGCCTGTAACTGGCAGTCGTCCAGAGAGGCAGA-3'
Protein context (NP_878918.2, residues 6535-6555): GNPQQEDGGL[Ala6545Val]GITEQQSGAF